The following is an entry in ClinVar:

ClinVar aggregate classification (germline): Conflicting classifications of pathogenicity. Review status: criteria provided, conflicting classifications (1 of 4 stars). 2 submissions from 2 submitters: Uncertain significance (1); Likely benign (1). Last evaluated 2026-01-17.

Submissions (2):

Labcorp Genetics (formerly Invitae), Labcorp
Classification: Likely benign. Last evaluated: 2026-01-17. Review status: criteria provided, single submitter. Criteria: Invitae Variant Classification Sherloc (09022015). Collection method: clinical testing. Allele origin: germline.

Athena Diagnostics
Classification: Uncertain significance. Last evaluated: 2022-09-19. Review status: criteria provided, single submitter. Criteria: Athena Diagnostics Criteria. Collection method: clinical testing. Allele origin: unknown.
Comment: Available data are insufficient to determine the clinical significance of the variant at this time. This variant has not been reported in large, multi-ethnic general populations. Computational tools yielded predictions that this variant is unlikely to have an effect on normal RNA splicing.

NM_018075.5(ANO10):c.946C>T (p.Leu316=)

Gene: ANO10 (anoctamin 10; minus strand). Cytogenetic location: 3p22.1.
Variant type: single nucleotide variant.
Coding change: c.946C>T on transcript NM_018075.5 (MANE Select); coding-DNA position 946, C replaced by T.
Protein change: p.Leu316=; no amino-acid change (leucine 316 retained).
Molecular consequence: synonymous variant. On other transcripts: intron variant (1).
Genome position (GRCh38, 1-based): chr3:43,576,908, G>A on the plus strand (C>T on the coding strand, the complement: ANO10 is on the minus strand). VCF-style: chr3-43576908-G-A. GRCh37 (hg19) VCF-style: chr3-43618400-G-A.
Other names: c.946C>T, p.Leu316= (NM_001204831.3, NM_001346463.2, NM_001346464.2 and 3 more transcripts); c.748C>T, p.Leu250= (NM_001204832.3, NM_001346466.2, NM_001346469.2); c.613C>T, p.Leu205= (NM_001204833.3); c.593-2044C>T (NM_001204834.3).
Identifiers: ClinVar variation 1807063 (VCV001807063.5), dbSNP rs2149402360, ClinGen allele CA433567527.